The following is an entry in ClinVar:

ClinVar aggregate classification (germline): Conflicting classifications of pathogenicity. Review status: criteria provided, conflicting classifications (1 of 4 stars). 5 submissions from 5 submitters: Likely pathogenic (1); Uncertain significance (4). Last evaluated 2026-09-25.

Conditions:
Low phospholipid associated cholelithiasis (GBD1). Also called: Gallbladder disease 1; Gallstone cholecystitis. Identifiers: Orphanet 69663, MedGen C2609268, MONDO:0010939, OMIM 600803.
ABCB4-related disorder. Also called: ABCB4-related disorders; ABCB4-related condition.

Allele frequency attached by ClinVar (database versions not stated): TOPMed below 0.00001; gnomAD exomes below 0.00001.
gnomAD v4.1: 5 of 1,614,050 alleles (0.00031%); highest among the groups gnomAD compares: Non-Finnish European, 0.00042%; no homozygotes.

Submissions (5):

PreventionGenetics, part of Exact Sciences
Classification: Uncertain significance for ABCB4-related condition. Last evaluated: 2026-09-25. Review status: criteria provided, single submitter. Criteria: ACMG Guidelines, 2015. Collection method: clinical testing. Allele origin: germline.
Comment: The ABCB4 c.3250C>T variant is predicted to result in the amino acid substitution p.Arg1084Trp. This variant has been reported in several individuals with low phospholipid-associated cholelithiasis (LPAC) (Poupon et al. 2013. PubMed ID: 23533021; supplementary appendix, de Vries et al. 2020. PubMed ID: 32893960). This variant was also reported in the compound heterozygous state in an individual with cholestasis and splenomegaly (Table S1, Zheng et al. 2023. PubMed ID: 37314652) and another individual with cholestatic liver disease, including cirrhosis (Weng et al. 2025. PubMed ID: 40248383). This variant has not been reported in a large population database, indicating this variant is rare. Although we suspect that this variant may be pathogenic, at this time, the clinical significance of this variant is uncertain due to the absence of conclusive functional and genetic evidence.

Genomenon, Inc
Classification: Uncertain significance for Low phospholipid associated cholelithiasis. Last evaluated: 2026-04-14. Review status: criteria provided, single submitter. Criteria: Genomenon Sequence Variant Interpretation Standards - Updated. Collection method: curation. Allele origin: germline. Affected: yes.
Comment: ABCB4 p.Arg1084Trp (c.3250C>T) is a missense variant that changes the amino acid at residue 1084 from Arginine to Tryptophan. This variant has been observed in at least one proband with an ABCB4-related disorder (PMID:32893960;23533021). It is absent or not present at a significant frequency in gnomAD. In silico models predict that this variant is possibly or probably damaging. In conclusion, we classify ABCB4 p.Arg1084Trp (c.3250C>T) as a variant of uncertain significance.

Labcorp Genetics (formerly Invitae), Labcorp
Classification: Uncertain significance. Last evaluated: 2021-10-10. Review status: criteria provided, single submitter. Criteria: Invitae Variant Classification Sherloc (09022015). Collection method: clinical testing. Allele origin: germline.
Comment: This sequence change replaces arginine with tryptophan at codon 1084 of the ABCB4 protein (p.Arg1084Trp). The arginine residue is highly conserved and there is a moderate physicochemical difference between arginine and tryptophan. This variant is not present in population databases (ExAC no frequency). This missense change has been observed in individual(s) with low-phospholipid-associated cholelithiasis syndrome (PMID: 23533021, 32893960). ClinVar contains an entry for this variant (Variation ID: 597086). Algorithms developed to predict the effect of missense changes on protein structure and function are either unavailable or do not agree on the potential impact of this missense change (SIFT: "Deleterious"; PolyPhen-2: "Probably Damaging"; Align-GVGD: "Class C0"). In summary, the available evidence is currently insufficient to determine the role of this variant in disease. Therefore, it has been classified as a Variant of Uncertain Significance.

Blueprint Genetics
Classification: Likely pathogenic for ABCB4-related disorders. Last evaluated: 2021-08-27. Review status: criteria provided, single submitter. Criteria: ACMG Guidelines, 2015. Collection method: clinical testing. Allele origin: germline. Affected: yes. Observed: 2 variant alleles.

Eurofins Ntd Llc (ga)
Classification: Uncertain significance. Last evaluated: 2018-05-04. Review status: criteria provided, single submitter. Criteria: EGL ClinVar v180209 classification definitions. Collection method: clinical testing. Allele origin: germline. Observed: 1 variant allele, 1 heterozygote.

Literature cited by the submitters: PubMed 32893960 (cited by Genomenon, Inc and Labcorp Genetics (formerly Invitae), Labcorp); PubMed 23533021 (cited by Genomenon, Inc and Labcorp Genetics (formerly Invitae), Labcorp).

NM_000443.4(ABCB4):c.3250C>T (p.Arg1084Trp)

Gene: ABCB4 (ATP binding cassette subfamily B member 4; minus strand). Cytogenetic location: 7q21.12.
Variant type: single nucleotide variant.
Coding change: c.3250C>T on transcript NM_000443.4 (MANE Select); coding-DNA position 3250, C replaced by T.
Protein change: p.Arg1084Trp; replaces arginine 1084 with tryptophan.
Molecular consequence: missense variant.
Genome position (GRCh38, 1-based): chr7:87,408,066, G>A on the plus strand (C>T on the coding strand, the complement: ABCB4 is on the minus strand). VCF-style: chr7-87408066-G-A. GRCh37 (hg19) VCF-style: chr7-87037382-G-A.
Other names: c.3250C>T (NM_000443.3); c.3250C>T, p.Arg1084Trp (NM_018849.3); c.3109C>T, p.Arg1037Trp (NM_018850.3); short protein forms R1084W, R1037W.
Identifiers: ClinVar variation 597086 (VCV000597086.13), dbSNP rs1262922848, ClinGen allele CA368058983.
Genomic context (GRCh38, chr7:87,408,066, plus strand): 5'-CTTCAATCAAGTTATAAGGAAATGTGCTCACCACTGTCCCCGCCAAGGGGTCGTAGAACC[G>A]CTCCAGGAGCTGGACCACCGTGCTCTTCCCACAGCCACTGCTGCCCACCAGGGCTAGTGT-3'
Protein context (NP_000434.1, residues 1074-1094): GKSTVVQLLE[Arg1084Trp]FYDPLAGTVL